The following is an entry in ClinVar:

NM_000718.4(CACNA1B):c.1939G>A (p.Asp647Asn)

Gene: CACNA1B (calcium voltage-gated channel subunit alpha1 B; plus strand). Cytogenetic location: 9q34.3.
Variant type: single nucleotide variant.
Coding change: c.1939G>A on transcript NM_000718.4 (MANE Select); coding-DNA position 1939, G replaced by A.
Protein change: p.Asp647Asn; replaces aspartic acid 647 with asparagine.
Molecular consequence: missense variant.
Genome position (GRCh38, 1-based): chr9:137,986,819, G>A. VCF-style: chr9-137986819-G-A. GRCh37 (hg19) VCF-style: chr9-140881271-G-A.
Other names: c.1939G>A, p.Asp647Asn (NM_001243812.2); short protein forms D647N.
Identifiers: ClinVar variation 1925957 (VCV001925957.3), dbSNP rs1228052397, ClinGen allele CA375808244.

ClinVar aggregate classification (germline): Uncertain significance. Review status: criteria provided, multiple submitters, no conflicts (2 of 4 stars). 2 submissions from 2 submitters: Uncertain significance (2). Last evaluated 2024-07-31.

Allele frequency attached by ClinVar (database versions not stated): gnomAD exomes 0.00001; TOPMed 0.00002; gnomAD 0.00004.

Submissions (2):

Blueprint Genetics
Classification: Uncertain significance. Last evaluated: 2024-07-31. Review status: criteria provided, single submitter. Criteria: ACMG Guidelines, 2015. Collection method: clinical testing. Allele origin: germline.

Labcorp Genetics (formerly Invitae), Labcorp
Classification: Uncertain significance. Last evaluated: 2021-11-28. Review status: criteria provided, single submitter. Criteria: Invitae Variant Classification Sherloc (09022015). Collection method: clinical testing. Allele origin: germline.
Comment: This sequence change replaces aspartic acid, which is acidic and polar, with asparagine, which is neutral and polar, at codon 647 of the CACNA1B protein (p.Asp647Asn). This variant is not present in population databases (gnomAD no frequency). This variant has not been reported in the literature in individuals affected with CACNA1B-related conditions. Advanced modeling of protein sequence and biophysical properties (such as structural, functional, and spatial information, amino acid conservation, physicochemical variation, residue mobility, and thermodynamic stability) performed at Invitae indicates that this missense variant is expected to disrupt CACNA1B protein function. In summary, the available evidence is currently insufficient to determine the role of this variant in disease. Therefore, it has been classified as a Variant of Uncertain Significance.